The following is an entry in ClinVar:

ClinVar aggregate classification (germline): Likely pathogenic (1 of 4 stars; one submission).

Conditions:
Congenital microcephaly - severe encephalopathy - progressive cerebral atrophy syndrome. Also called: ASNS DEFICIENCY; Asparagine synthetase deficiency. Identifiers: Orphanet 391376, MedGen C3809971, MONDO:0014258, OMIM 615574.

Submission:

Juno Genomics, Hangzhou Juno Genomics, Inc
Classification: Likely pathogenic for Congenital microcephaly - severe encephalopathy - progressive cerebral atrophy syndrome. Review status: criteria provided, single submitter. Criteria: ACMG Guidelines, 2015. Collection method: clinical testing. Allele origin: germline. Affected: yes.
Comment: Null variant in a gene where loss of function (LOF) is a known mechanism of disease.;Absent from controls (or at extremely low frequency if recessive) in Genome Aggregation Database, Exome Sequencing Project, 1000 Genomes Project, or Exome Aggregation Consortium.

NM_001673.5(ASNS):c.754del (p.Arg252fs)

Genes: ASNS (asparagine synthetase (glutamine-hydrolyzing); minus strand), CZ1P-ASNS (CZ1P-ASNS readthrough; minus strand). Cytogenetic location: 7q21.3.
Variant type: Deletion.
Coding change: c.754del on transcript NM_001673.5 (MANE Select); coding-DNA position 754, one base deleted (A; older notation c.754delA).
Protein change: p.Arg252fs; shifts the reading frame from arginine 252.
Molecular consequence: frameshift variant. On other transcripts: non-coding transcript variant (1).
Genome position (GRCh38, 1-based): chr7:97,858,875, T deleted on the plus strand (A on the coding strand, the reverse complement: ASNS is on the minus strand); the first of 2 consecutive T bases (chr7:97,858,875-97,858,876); deleting either gives the same sequence. VCF-style (leftmost placement, unchanged base first): chr7-97858874-CT-C. GRCh37 (hg19) VCF-style: chr7-97488186-CT-C.
Other names: c.505del, p.Arg169fs (NM_001178076.2, NM_001178077.1); c.754del, p.Arg252fs (NM_001352496.2, NM_133436.3, NM_183356.4); c.691del, p.Arg231fs (NM_001178075.2); short protein forms R169fs, R231fs, R252fs.
Identifiers: ClinVar variation 3382180 (VCV003382180.2).